The following is an entry in ClinVar:

NM_194255.4(SLC19A1):c.1536G>A (p.Gly512=)

Gene: SLC19A1 (solute carrier family 19 member 1; minus strand). Cytogenetic location: 21q22.3.
Variant type: single nucleotide variant.
Coding change: c.1536G>A on transcript NM_194255.4 (MANE Select); coding-DNA position 1536, G replaced by A.
Protein change: p.Gly512=; no amino-acid change (glycine 512 retained).
Molecular consequence: synonymous variant. On other transcripts: intron variant (2).
Genome position (GRCh38, 1-based): chr21:45,515,898, C>T on the plus strand (G>A on the coding strand, the complement: SLC19A1 is on the minus strand). VCF-style: chr21-45515898-C-T. GRCh37 (hg19) VCF-style: chr21-46935812-C-T.
Other names: c.1416G>A, p.Gly472= (NM_001205207.3); c.1182G>A, p.Gly394= (NM_001352510.2); c.1536G>A, p.Gly512= (NM_001352512.2); c.1294-746G>A (NM_001352511.3, NM_001205206.4).
Identifiers: ClinVar variation 1597094 (VCV001597094.32), dbSNP rs201466856, ClinGen allele CA10068265.

ClinVar aggregate classification (germline): Likely benign. Review status: criteria provided, multiple submitters, no conflicts (2 of 4 stars). 2 submissions from 2 submitters: Likely benign (2). Last evaluated 2026-01-11.

Allele frequency attached by ClinVar (database versions not stated): gnomAD 0.00004 and 0.00008; ESP Exome Variant Server 0.00008; TOPMed 0.00013; gnomAD exomes 0.00025; 1000 Genomes Project 30x 0.00047; ExAC 0.00053; 1000 Genomes Project 0.00060.
gnomAD v4.1: 212 of 1,552,230 alleles (0.014%); highest among the groups gnomAD compares: Middle Eastern, 0.1%; 4 homozygotes.

Submissions (2):

Labcorp Genetics (formerly Invitae), Labcorp
Classification: Likely benign. Last evaluated: 2026-01-11. Review status: criteria provided, single submitter. Criteria: Invitae Variant Classification Sherloc (09022015). Collection method: clinical testing. Allele origin: germline.

CeGaT Center for Human Genetics Tuebingen
Classification: Likely benign. Last evaluated: 2022-09-01. Review status: criteria provided, single submitter. Criteria: CeGaT Center For Human Genetics Tuebingen Variant Classification Criteria Version 2. Collection method: clinical testing. Allele origin: germline. Affected: yes. Observed: 1 variant allele.
Comment: SLC19A1: BP4, BP7